The following is an entry in ClinVar:

NM_152564.5(VPS13B):c.7688T>G (p.Leu2563Arg)

Gene: VPS13B (vacuolar protein sorting 13 homolog B; plus strand). Cytogenetic location: 8q22.2.
Variant type: single nucleotide variant.
Coding change: c.7688T>G on transcript NM_152564.5 (MANE Select); coding-DNA position 7688, T replaced by G.
Protein change: p.Leu2563Arg; replaces leucine 2563 with arginine.
Molecular consequence: missense variant.
Genome position (GRCh38, 1-based): chr8:99,778,940, T>G. VCF-style: chr8-99778940-T-G. GRCh37 (hg19) VCF-style: chr8-100791168-T-G.
Other names: c.7763T>G, p.Leu2588Arg (NM_017890.5); c.7763T>G (NM_017890.3); short protein forms L2588R, L2563R.
Identifiers: ClinVar variation 1436432 (VCV001436432.4), dbSNP rs759385151, ClinGen allele CA4824268.
Genomic context (GRCh38, chr8:99,778,940, plus strand): 5'-TGAAACCCTTCAGCATCTTCGGGCAGATGGCAGTTTCCAGCGATGTAGTGGAAAAGCTGC[T>G]TGACTGCACCGTGATAGTTGATTCTGTATTTGTAAACCTTGGACAGCATGTAGTCCATTC-3'
Protein context (NP_689777.3, residues 2553-2573): AVSSDVVEKL[Leu2563Arg]DCTVIVDSVF

ClinVar aggregate classification (germline): Uncertain significance. Review status: criteria provided, multiple submitters, no conflicts (2 of 4 stars). 2 submissions from 2 submitters: Uncertain significance (2). Last evaluated 2024-10-12.

Conditions:
Inborn genetic diseases. Identifiers: MedGen C0950123, MeSH D030342.
Cohen syndrome (COH1). Also called: PEPPER SYNDROME; Cutis verticis gyrata, retinitis pigmentosa, and sensorineural deafness. Identifiers: Orphanet 193, MedGen C0265223, MONDO:0008999, OMIM 216550.

Allele frequency attached by ClinVar (database versions not stated): ExAC 0.00001; gnomAD 0.00001; gnomAD exomes 0.00001 and 0.00002; TOPMed 0.00001.
gnomAD v4.1: 23 of 1,613,860 alleles (0.0014%); highest among the groups gnomAD compares: East Asian, 0.049%; no homozygotes.

Submissions (2):

Ambry Genetics
Classification: Uncertain significance for Inborn genetic diseases. Last evaluated: 2024-10-12. Review status: criteria provided, single submitter. Criteria: Ambry Variant Classification Scheme 2023. Collection method: clinical testing. Allele origin: germline.

Labcorp Genetics (formerly Invitae), Labcorp
Classification: Uncertain significance for Cohen syndrome. Last evaluated: 2021-11-22. Review status: criteria provided, single submitter. Criteria: Invitae Variant Classification Sherloc (09022015). Collection method: clinical testing. Allele origin: germline.
Comment: This sequence change replaces leucine, which is neutral and non-polar, with arginine, which is basic and polar, at codon 2588 of the VPS13B protein (p.Leu2588Arg). This variant is present in population databases (rs759385151, gnomAD 0.03%). This variant has not been reported in the literature in individuals affected with VPS13B-related conditions. Algorithms developed to predict the effect of missense changes on protein structure and function are either unavailable or do not agree on the potential impact of this missense change (SIFT: "Not Available"; PolyPhen-2: "Possibly Damaging"; Align-GVGD: "Not Available"). In summary, the available evidence is currently insufficient to determine the role of this variant in disease. Therefore, it has been classified as a Variant of Uncertain Significance.